The following is an entry in ClinVar:

NM_000384.3(APOB):c.7765G>T (p.Glu2589Ter)

Gene: APOB (apolipoprotein B; minus strand). Cytogenetic location: 2p24.1.
Variant type: single nucleotide variant.
Coding change: c.7765G>T on transcript NM_000384.3 (MANE Select); coding-DNA position 7765, G replaced by T.
Protein change: p.Glu2589Ter; replaces glutamic acid 2589 with a stop codon.
Molecular consequence: nonsense.
Genome position (GRCh38, 1-based): chr2:21,009,103, C>A on the plus strand (G>T on the coding strand, the complement: APOB is on the minus strand). VCF-style: chr2-21009103-C-A. GRCh37 (hg19) VCF-style: chr2-21231975-C-A.
Other names: short protein forms E2589*.
Identifiers: ClinVar variation 3069184 (VCV003069184.2), dbSNP rs2465368117, ClinGen allele CA345996168.
Genomic context (GRCh38, chr2:21,009,103, plus strand): 5'-TCTGAAGAGCCTGAAGACTGACTTCAAAGGCAGGCATGGTCCCAAGGATGGTCTTGATTT[C>A]AGGAACAGTGAACCCTTGCTCTACCAATGCTTTCATACGTTTAGCCCAATCTTGGATAGA-3'

ClinVar aggregate classification (germline): Likely pathogenic (1 of 4 stars; one submission).

Conditions:
Hypercholesterolemia, autosomal dominant, type B (FHCL2). Also called: Hyperlipoproteinemia Type IIb; APOLIPOPROTEIN B-100, FAMILIAL DEFECTIVE; APOLIPOPROTEIN B-100, FAMILIAL LIGAND-DEFECTIVE; Familial Hypercholesterolemia Type B; HYPERCHOLESTEROLEMIA, FAMILIAL, DUE TO LIGAND-DEFECTIVE APOLIPOPROTEIN B; APOB-Related Familial Hypercholesterolemia, Autosomal Dominant. Identifiers: MedGen C1704417, MONDO:0007751, OMIM 144010.

Submission:

Institute of Human Genetics, Heidelberg University
Classification: Likely pathogenic for Hypercholesterolemia, autosomal dominant, type B. Last evaluated: 2024-03-01. Review status: criteria provided, single submitter. Criteria: ACMG Guidelines, 2015. Collection method: clinical testing. Allele origin: germline. Observed: 2 variant alleles.
Comment: secondary finding